The following is an entry in ClinVar:

NM_177559.3(CSNK2A1):c.1103C>T (p.Ala368Val)

Gene: CSNK2A1 (casein kinase 2 alpha 1; minus strand). Cytogenetic location: 20p13.
Variant type: single nucleotide variant.
Coding change: c.1103C>T on transcript NM_177559.3 (MANE Select); coding-DNA position 1103, C replaced by T.
Protein change: p.Ala368Val; replaces alanine 368 with valine.
Molecular consequence: missense variant.
Genome position (GRCh38, 1-based): chr20:484,034, G>A on the plus strand (C>T on the coding strand, the complement: CSNK2A1 is on the minus strand). VCF-style: chr20-484034-G-A. GRCh37 (hg19) VCF-style: chr20-464678-G-A.
Other names: c.1103C>T, p.Ala368Val (NM_001362770.2, NM_001362771.2, NM_001895.4); c.695C>T, p.Ala232Val (NM_177560.3); short protein forms A232V, A368V.
Identifiers: ClinVar variation 3389256 (VCV003389256.14).

ClinVar aggregate classification (germline): Uncertain significance (1 of 4 stars; one submission).

gnomAD v4.1: 23 of 1,611,846 alleles (0.0014%); highest among the groups gnomAD compares: Non-Finnish European, 0.0017%; no homozygotes.

Submission:

CeGaT Center for Human Genetics Tuebingen
Classification: Uncertain significance. Last evaluated: 2024-11-01. Review status: criteria provided, single submitter. Criteria: CeGaT Center For Human Genetics Tuebingen Variant Classification Criteria Version 2. Collection method: clinical testing. Allele origin: germline. Affected: yes. Observed: 1 variant allele.
Comment: CSNK2A1: PVS1:Moderate